The following is an entry in ClinVar:

ClinVar aggregate classification (germline): Uncertain significance (1 of 4 stars; one submission).

Allele frequency attached by ClinVar (database versions not stated): ExAC 0.00001; gnomAD exomes 0.00001; gnomAD 0.00002; TOPMed 0.00003.
gnomAD v4.1: 25 of 1,613,688 alleles (0.0015%); highest among the groups gnomAD compares: African/African-American, 0.0027%; no homozygotes.

Submission:

Labcorp Genetics (formerly Invitae), Labcorp
Classification: Uncertain significance. Last evaluated: 2021-10-12. Review status: criteria provided, single submitter. Criteria: Invitae Variant Classification Sherloc (09022015). Collection method: clinical testing. Allele origin: germline.
Comment: Algorithms developed to predict the effect of missense changes on protein structure and function are either unavailable or do not agree on the potential impact of this missense change (SIFT: "Deleterious"; PolyPhen-2: "Benign"; Align-GVGD: "Class C0"). This variant has not been reported in the literature in individuals affected with DNAH9-related conditions. This variant is present in population databases (rs767306011, ExAC 0.006%). This sequence change replaces arginine with tryptophan at codon 4205 of the DNAH9 protein (p.Arg4205Trp). The arginine residue is moderately conserved and there is a moderate physicochemical difference between arginine and tryptophan. In summary, the available evidence is currently insufficient to determine the role of this variant in disease. Therefore, it has been classified as a Variant of Uncertain Significance.

NM_001372.4(DNAH9):c.12613C>T (p.Arg4205Trp)

Gene: DNAH9 (dynein axonemal heavy chain 9; plus strand). Cytogenetic location: 17p12.
Variant type: single nucleotide variant.
Coding change: c.12613C>T on transcript NM_001372.4 (MANE Select); coding-DNA position 12613, C replaced by T.
Protein change: p.Arg4205Trp; replaces arginine 4205 with tryptophan.
Molecular consequence: missense variant.
Genome position (GRCh38, 1-based): chr17:11,937,475, C>T. VCF-style: chr17-11937475-C-T. GRCh37 (hg19) VCF-style: chr17-11840792-C-T.
Other names: c.1549C>T, p.Arg517Trp (NM_004662.2); short protein forms R517W, R4205W.
Identifiers: ClinVar variation 1396274 (VCV001396274.6), dbSNP rs767306011, ClinGen allele CA8398197.